The following is an entry in ClinVar:

NM_001330260.2(SCN8A):c.5770A>G (p.Lys1924Glu)

Gene: SCN8A (sodium voltage-gated channel alpha subunit 8; plus strand). Cytogenetic location: 12q13.13.
Variant type: single nucleotide variant.
Coding change: c.5770A>G on transcript NM_001330260.2 (MANE Select); coding-DNA position 5770, A replaced by G.
Protein change: p.Lys1924Glu; replaces lysine 1924 with glutamic acid.
Molecular consequence: missense variant.
Genome position (GRCh38, 1-based): chr12:51,807,256, A>G. VCF-style: chr12-51807256-A-G. GRCh37 (hg19) VCF-style: chr12-52201040-A-G.
Other names: c.5647A>G, p.Lys1883Glu (NM_001177984.3, NM_001369788.1); c.5770A>G, p.Lys1924Glu (NM_014191.4); short protein forms K1883E, K1924E.
Identifiers: ClinVar variation 4768195 (VCV004768195.1).

ClinVar aggregate classification (germline): Uncertain significance (1 of 4 stars; one submission).

Conditions:
Early-infantile DEE. Also called: Ohtahara syndrome; Early infantile epileptic encephalopathy with suppression bursts; Early infantile epileptic encephalopathy. Identifiers: Orphanet 1934, MedGen C0393706, MONDO:0800491.

Submission:

Labcorp Genetics (formerly Invitae), Labcorp
Classification: Uncertain significance for Early-infantile DEE. Last evaluated: 2025-06-22. Review status: criteria provided, single submitter. Criteria: Invitae Variant Classification Sherloc (09022015). Collection method: clinical testing. Allele origin: germline.
Comment: This sequence change replaces lysine, which is basic and polar, with glutamic acid, which is acidic and polar, at codon 1924 of the SCN8A protein (p.Lys1924Glu). This variant is not present in population databases (gnomAD no frequency). This variant has not been reported in the literature in individuals affected with SCN8A-related conditions. Invitae Evidence Modeling of protein sequence and biophysical properties (such as structural, functional, and spatial information, amino acid conservation, physicochemical variation, residue mobility, and thermodynamic stability) indicates that this missense variant is not expected to disrupt SCN8A protein function with a negative predictive value of 95%. In summary, the available evidence is currently insufficient to determine the role of this variant in disease. Therefore, it has been classified as a Variant of Uncertain Significance.